The following is an entry in ClinVar:

NM_001371986.1(UNC80):c.7141T>G (p.Leu2381Val)

Gene: UNC80 (unc-80 homolog, NALCN channel complex subunit; plus strand). Cytogenetic location: 2q34.
Variant type: single nucleotide variant.
Coding change: c.7141T>G on transcript NM_001371986.1 (MANE Select); coding-DNA position 7141, T replaced by G.
Protein change: p.Leu2381Val; replaces leucine 2381 with valine.
Molecular consequence: missense variant.
Genome position (GRCh38, 1-based): chr2:209,945,141, T>G. VCF-style: chr2-209945141-T-G. GRCh37 (hg19) VCF-style: chr2-210809865-T-G.
Other names: c.6943T>G, p.Leu2315Val (NM_032504.2); c.6928T>G, p.Leu2310Val (NM_182587.4); short protein forms L2315V, L2381V, L2310V.
Identifiers: ClinVar variation 2070710 (VCV002070710.1), dbSNP rs1261168375, ClinGen allele CA350774012.

ClinVar aggregate classification (germline): Uncertain significance (1 of 4 stars; one submission).

Allele frequency attached by ClinVar (database versions not stated): TOPMed below 0.00001; gnomAD 0.00001; gnomAD exomes 0.00004.
gnomAD v4.1: 53 of 1,551,462 alleles (0.0034%); highest among the groups gnomAD compares: Non-Finnish European, 0.0046%; no homozygotes.

Submission:

Labcorp Genetics (formerly Invitae), Labcorp
Classification: Uncertain significance. Last evaluated: 2022-01-07. Review status: criteria provided, single submitter. Criteria: Invitae Variant Classification Sherloc (09022015). Collection method: clinical testing. Allele origin: germline.
Comment: This sequence change replaces leucine, which is neutral and non-polar, with valine, which is neutral and non-polar, at codon 2315 of the UNC80 protein (p.Leu2315Val). This variant is not present in population databases (gnomAD no frequency). This variant has not been reported in the literature in individuals affected with UNC80-related conditions. Algorithms developed to predict the effect of missense changes on protein structure and function are either unavailable or do not agree on the potential impact of this missense change (SIFT: "Not Available"; PolyPhen-2: "Probably Damaging"; Align-GVGD: "Not Available"). In summary, the available evidence is currently insufficient to determine the role of this variant in disease. Therefore, it has been classified as a Variant of Uncertain Significance.